The following is an entry in ClinVar:

ClinVar aggregate classification (germline): Conflicting classifications of pathogenicity. Review status: criteria provided, conflicting classifications (1 of 4 stars). 6 submissions from 6 submitters: Uncertain significance (1); Likely benign (4). 1 of the submissions does not count toward it. Last evaluated 2025-12-24.

Conditions:
NPHP4-related disorder. Also called: NPHP4-related disorders; NPHP4-related condition. Identifiers: MedGen CN239384.
Nephronophthisis. Also called: Juvenile Nephronophthisis. Identifiers: Orphanet 655, MedGen C0687120, MONDO:0019005, HP:0000090.

Allele frequency attached by ClinVar (database versions not stated): TOPMed 0.00016; gnomAD exomes 0.00018; 1000 Genomes Project 0.00020; ExAC 0.00023; ESP Exome Variant Server 0.00024; gnomAD 0.00013 and 0.00014; 1000 Genomes Project 30x 0.00016.
gnomAD v4.1: 170 of 1,613,318 alleles (0.011%); highest among the groups gnomAD compares: Middle Eastern, 0.12%; no homozygotes.

Submissions (6):

Labcorp Genetics (formerly Invitae), Labcorp
Classification: Likely benign for Nephronophthisis. Last evaluated: 2025-12-24. Review status: criteria provided, single submitter. Criteria: Invitae Variant Classification Sherloc (09022015). Collection method: clinical testing. Allele origin: germline.

Mayo Clinic Laboratories, Mayo Clinic
Classification: Likely benign. Last evaluated: 2025-08-11. Review status: criteria provided, single submitter. Criteria: ACMG Guidelines, 2015. Collection method: clinical testing. Allele origin: germline. Observed: 1 variant allele.
Comment: BP4, BP7, PM2_supporting

Blueprint Genetics
Classification: Likely benign. Last evaluated: 2024-08-29. Review status: criteria provided, single submitter. Criteria: ACMG Guidelines, 2015. Collection method: clinical testing. Allele origin: germline.

CeGaT Center for Human Genetics Tuebingen
Classification: Likely benign. Last evaluated: 2023-01-01. Review status: criteria provided, single submitter. Criteria: CeGaT Center For Human Genetics Tuebingen Variant Classification Criteria Version 2. Collection method: clinical testing. Allele origin: germline. Affected: yes. Observed: 1 variant allele.
Comment: NPHP4: BP4, BP7

Eurofins Ntd Llc (ga)
Classification: Uncertain significance. Last evaluated: 2018-02-03. Review status: criteria provided, single submitter. Criteria: EGL Classification Definitions 2015. Collection method: clinical testing. Allele origin: germline. Observed: 3 variant alleles, 3 heterozygotes.

PreventionGenetics, part of Exact Sciences
Classification: Likely benign for NPHP4-related condition. Last evaluated: 2021-10-14. Review status: no assertion criteria provided. Collection method: clinical testing. Allele origin: germline. Not counted in ClinVar's aggregate classification.
Comment: This variant is classified as likely benign based on ACMG/AMP sequence variant interpretation guidelines (Richards et al. 2015 PMID: 25741868, with internal and published modifications).

NM_015102.5(NPHP4):c.3309C>T (p.His1103=)

Gene: NPHP4 (nephrocystin 4; minus strand). Cytogenetic location: 1p36.31.
Variant type: single nucleotide variant.
Coding change: c.3309C>T on transcript NM_015102.5 (MANE Select); coding-DNA position 3309, C replaced by T.
Protein change: p.His1103=; no amino-acid change (histidine 1103 retained).
Molecular consequence: synonymous variant. On other transcripts: non-coding transcript variant (1).
Genome position (GRCh38, 1-based): chr1:5,873,258, G>A on the plus strand (C>T on the coding strand, the complement: NPHP4 is on the minus strand). VCF-style: chr1-5873258-G-A. GRCh37 (hg19) VCF-style: chr1-5933318-G-A.
Other names: p.His1103=; c.1770C>T, p.His590= (NM_001291593.2); c.1773C>T, p.His591= (NM_001291594.2); c.3309C>T (NM_015102.4).
Identifiers: ClinVar variation 497252 (VCV000497252.40), dbSNP rs200320780, ClinGen allele CA553711.